The following is an entry in ClinVar:

NM_000455.5(STK11):c.67del (p.Asp23fs)

Gene: STK11 (serine/threonine kinase 11; plus strand). Cytogenetic location: 19p13.3.
Variant type: Deletion.
Coding change: c.67del on transcript NM_000455.5 (MANE Select); coding-DNA position 67, one base deleted (G; older notation c.67delG).
Protein change: p.Asp23fs; shifts the reading frame from aspartic acid 23.
Molecular consequence: frameshift variant.
Genome position (GRCh38, 1-based): chr19:1,206,980, G deleted; the last of 2 consecutive G bases (chr19:1,206,979-1,206,980); deleting either gives the same sequence. VCF-style (leftmost placement, unchanged base first): chr19-1206978-TG-T. GRCh37 (hg19) VCF-style: chr19-1206977-TG-T.
Other names: c.67delG (NM_000455.4); short protein forms D23fs.
Identifiers: ClinVar variation 486995 (VCV000486995.5), dbSNP rs1555734904, ClinGen allele CA658656738.
Genomic context (GRCh38, chr19:1,206,978, plus strand): 5'-AGGTGGTGGACCCGCAGCAGCTGGGCATGTTCACGGAGGGCGAGCTGATGTCGGTGGGTA[TG>T]GACACGTTCATCCACCGCATCGACTCCACCGAGGTCATCTACCAGCCGCGCCGCAAGCGG-3'

ClinVar aggregate classification (germline): Pathogenic (1 of 4 stars; one submission).

Conditions:
Hereditary cancer-predisposing syndrome. Also called: Tumor predisposition; Hereditary Cancer Syndrome; Hereditary neoplastic syndrome; Neoplastic Syndromes, Hereditary. Identifiers: Orphanet 140162, MedGen C0027672, MeSH D009386, MONDO:0015356.

Submission:

Ambry Genetics
Classification: Pathogenic for Hereditary cancer-predisposing syndrome. Last evaluated: 2018-08-20. Review status: criteria provided, single submitter. Criteria: Ambry Variant Classification Scheme 2023. Collection method: clinical testing. Allele origin: germline.
Comment: The c.67delG pathogenic mutation, located in coding exon 1 of the STK11 gene, results from a deletion of one nucleotide at nucleotide position 67, causing a translational frameshift with a predicted alternate stop codon (p.D23Tfs*28). This alteration is expected to result in loss of function by premature protein truncation or nonsense-mediated mRNA decay. As such, this alteration is interpreted as a disease-causing mutation.